The following is an entry in ClinVar:

NM_058216.3(RAD51C):c.999G>T (p.Lys333Asn)

Gene: RAD51C (RAD51 paralog C; plus strand). Cytogenetic location: 17q22.
Variant type: single nucleotide variant.
Coding change: c.999G>T on transcript NM_058216.3 (MANE Select); coding-DNA position 999, G replaced by T.
Protein change: p.Lys333Asn; replaces lysine 333 with asparagine.
Molecular consequence: missense variant. On other transcripts: non-coding transcript variant (1).
Genome position (GRCh38, 1-based): chr17:58,732,517, G>T. VCF-style: chr17-58732517-G-T. GRCh37 (hg19) VCF-style: chr17-56809878-G-T.
Other names: c.999G>T (NM_058216.1); short protein forms K333N.
Identifiers: ClinVar variation 1039500 (VCV001039500.9), dbSNP rs2049471981, ClinGen allele CA400365023.

ClinVar aggregate classification (germline): Uncertain significance. Review status: criteria provided, multiple submitters, no conflicts (2 of 4 stars). 2 submissions from 2 submitters: Uncertain significance (2). Last evaluated 2025-12-22.

Conditions:
Hereditary cancer-predisposing syndrome. Also called: Hereditary Cancer Syndrome; Neoplastic Syndromes, Hereditary; Tumor predisposition; Hereditary neoplastic syndrome. Identifiers: Orphanet 140162, MedGen C0027672, MeSH D009386, MONDO:0015356.
Fanconi anemia complementation group O. Also called: RAD51C-Related Fanconi Anemia. Identifiers: Orphanet 84, MedGen C3150653, MONDO:0013248, OMIM 613390.

Submissions (2):

Ambry Genetics
Classification: Uncertain significance for Hereditary cancer-predisposing syndrome. Last evaluated: 2025-12-22. Review status: criteria provided, single submitter. Criteria: Ambry Variant Classification Scheme 2023. Collection method: clinical testing. Allele origin: germline.
Comment: The p.K333N variant (also known as c.999G>T), located in coding exon 8 of the RAD51C gene, results from a G to T substitution at nucleotide position 999. The lysine at codon 333 is replaced by asparagine, an amino acid with similar properties. This amino acid position is conserved. In addition, this alteration is predicted to be tolerated by in silico analysis. Based on the available evidence, the clinical significance of this variant remains unclear.

Labcorp Genetics (formerly Invitae), Labcorp
Classification: Uncertain significance for Fanconi anemia complementation group O. Last evaluated: 2020-10-29. Review status: criteria provided, single submitter. Criteria: Invitae Variant Classification Sherloc (09022015). Collection method: clinical testing. Allele origin: germline.
Comment: This sequence change replaces lysine with asparagine at codon 333 of the RAD51C protein (p.Lys333Asn). The lysine residue is moderately conserved and there is a moderate physicochemical difference between lysine and asparagine. In summary, the available evidence is currently insufficient to determine the role of this variant in disease. Therefore, it has been classified as a Variant of Uncertain Significance. Algorithms developed to predict the effect of missense changes on protein structure and function (SIFT, PolyPhen-2, Align-GVGD) all suggest that this variant is likely to be tolerated, but these predictions have not been confirmed by published functional studies and their clinical significance is uncertain. This variant has not been reported in the literature in individuals with RAD51C-related conditions. This variant is not present in population databases (ExAC no frequency).